The following is an entry in ClinVar:

NM_000179.3(MSH6):c.2585T>A (p.Leu862Gln)

Gene: MSH6 (mutS homolog 6; plus strand). Cytogenetic location: 2p16.3.
Variant type: single nucleotide variant.
Coding change: c.2585T>A on transcript NM_000179.3 (MANE Select); coding-DNA position 2585, T replaced by A.
Protein change: p.Leu862Gln; replaces leucine 862 with glutamine.
Molecular consequence: missense variant.
Genome position (GRCh38, 1-based): chr2:47,800,568, T>A. VCF-style: chr2-47800568-T-A. GRCh37 (hg19) VCF-style: chr2-48027707-T-A.
Other names: c.2195T>A, p.Leu732Gln (NM_001281492.2); c.1679T>A, p.Leu560Gln (NM_001281493.2, NM_001281494.2); short protein forms L862Q, L732Q, L560Q.
Identifiers: ClinVar variation 489986 (VCV000489986.15), dbSNP rs1553413932, ClinGen allele CA346754817.

ClinVar aggregate classification (germline): Uncertain significance. Review status: criteria provided, multiple submitters, no conflicts (2 of 4 stars). 4 submissions from 4 submitters: Uncertain significance (4). Last evaluated 2024-11-30.

Conditions:
Hereditary cancer-predisposing syndrome. Also called: Hereditary Cancer Syndrome; Neoplastic Syndromes, Hereditary; Tumor predisposition; Hereditary neoplastic syndrome. Identifiers: Orphanet 140162, MedGen C0027672, MeSH D009386, MONDO:0015356.
Lynch syndrome. Identifiers: Orphanet 144, MedGen C4552100, MONDO:0005835. Disease mechanism: loss of function.
Hereditary nonpolyposis colorectal neoplasms. Identifiers: MedGen C0009405, MeSH D003123.

Allele frequency attached by ClinVar (database versions not stated): gnomAD 0.00001.

Submissions (4):

Labcorp Genetics (formerly Invitae), Labcorp
Classification: Uncertain significance for Hereditary nonpolyposis colorectal neoplasms. Last evaluated: 2024-11-30. Review status: criteria provided, single submitter. Criteria: Invitae Variant Classification Sherloc (09022015). Collection method: clinical testing. Allele origin: germline.
Comment: This sequence change replaces leucine, which is neutral and non-polar, with glutamine, which is neutral and polar, at codon 862 of the MSH6 protein (p.Leu862Gln). This variant is not present in population databases (gnomAD no frequency). This variant has not been reported in the literature in individuals affected with MSH6-related conditions. ClinVar contains an entry for this variant (Variation ID: 489986). Invitae Evidence Modeling of protein sequence and biophysical properties (such as structural, functional, and spatial information, amino acid conservation, physicochemical variation, residue mobility, and thermodynamic stability) indicates that this missense variant is expected to disrupt MSH6 protein function with a positive predictive value of 95%. In summary, the available evidence is currently insufficient to determine the role of this variant in disease. Therefore, it has been classified as a Variant of Uncertain Significance.

Ambry Genetics
Classification: Uncertain significance for Hereditary cancer-predisposing syndrome. Last evaluated: 2024-09-21. Review status: criteria provided, single submitter. Criteria: Ambry Variant Classification Scheme 2023. Collection method: clinical testing. Allele origin: germline.
Comment: The p.L862Q variant (also known as c.2585T>A), located in coding exon 4 of the MSH6 gene, results from a T to A substitution at nucleotide position 2585. The leucine at codon 862 is replaced by glutamine, an amino acid with dissimilar properties. This amino acid position is highly conserved in available vertebrate species. In addition, this alteration is predicted to be deleterious by in silico analysis. Based on the available evidence, the clinical significance of this variant remains unclear.

Color Diagnostics, LLC DBA Color Health
Classification: Uncertain significance for Hereditary cancer-predisposing syndrome. Last evaluated: 2024-03-06. Review status: criteria provided, single submitter. Criteria: ACMG Guidelines, 2015. Collection method: clinical testing. Allele origin: germline.
Comment: This missense variant replaces leucine with gluatmine at codon 862 of the MSH6 protein. Computational prediction suggests that this variant may have deleterious impact on protein structure and function (internally defined REVEL score threshold >= 0.7, PMID: 27666373). To our knowledge, functional studies have not been reported for this variant. This variant has not been reported in individuals affected with MSH6-related disorders in the literature. This variant has not been identified in the general population by the Genome Aggregation Database (gnomAD). The available evidence is insufficient to determine the role of this variant in disease conclusively. Therefore, this variant is classified as a Variant of Uncertain Significance.

All of Us Research Program, National Institutes of Health
Classification: Uncertain significance for Lynch syndrome. Last evaluated: 2023-10-06. Review status: criteria provided, single submitter. Criteria: ACMG Guidelines, 2015. Collection method: clinical testing. Allele origin: germline. Inheritance: Autosomal dominant inheritance. Observed: 1 variant allele, 1 heterozygote.
Comment: This missense variant replaces leucine with gluatmine at codon 862 of the MSH6 protein. Computational prediction suggests that this variant may have deleterious impact on protein structure and function (internally defined REVEL score threshold >= 0.7, PMID: 27666373). To our knowledge, functional studies have not been reported for this variant. This variant has not been reported in individuals affected with MSH6-related disorders in the literature. This variant has not been identified in the general population by the Genome Aggregation Database (gnomAD). The available evidence is insufficient to determine the role of this variant in disease conclusively. Therefore, this variant is classified as a Variant of Uncertain Significance.

This study involves interpretation of variants in research participants for the purpose of population health screening. Participant phenotype was not available at the time of variant classification. Additional details can be found in publication PMID: 35346344, PMCID: PMC8962531